The following is an entry in ClinVar:

ClinVar aggregate classification (germline): Pathogenic (1 of 4 stars; one submission).

Conditions:
Gorlin syndrome. Also called: Basal cell nevus syndrome; Nevoid Basal Cell Carcinoma Syndrome. Identifiers: Orphanet 377, MedGen C0004779, MONDO:0007187.

Submission:

Labcorp Genetics (formerly Invitae), Labcorp
Classification: Pathogenic for Gorlin syndrome. Last evaluated: 2021-02-18. Review status: criteria provided, single submitter. Criteria: Invitae Variant Classification Sherloc (09022015). Collection method: clinical testing. Allele origin: germline.
Comment: This sequence change creates a premature translational stop signal (p.Asn837Lysfs*66) in the PTCH1 gene. It is expected to result in an absent or disrupted protein product. Loss-of-function variants in PTCH1 are known to be pathogenic (PMID: 16301862, 16419085). This variant is not present in population databases (ExAC no frequency). This variant has not been reported in the literature in individuals with PTCH1-related conditions. For these reasons, this variant has been classified as Pathogenic.

Literature cited by the submitters: PubMed 16301862; PubMed 16419085.

NM_000264.5(PTCH1):c.2511del (p.Asn837fs)

Genes: PTCH1 (patched 1; minus strand), LOC100507346 (uncharacterized LOC100507346; plus strand). Cytogenetic location: 9q22.32.
Variant type: Deletion.
Coding change: c.2511del on transcript NM_000264.5 (MANE Select); coding-DNA position 2511, one base deleted (C; older notation c.2511delC).
Protein change: p.Asn837fs; shifts the reading frame from asparagine 837.
Molecular consequence: frameshift variant. On other transcripts: non-coding transcript variant (2).
Genome position (GRCh38, 1-based): chr9:95,467,165, G deleted on the plus strand (C on the coding strand, the reverse complement: PTCH1 is on the minus strand). VCF-style (leftmost placement, unchanged base first): chr9-95467164-TG-T. GRCh37 (hg19) VCF-style: chr9-98229446-TG-T.
Other names: c.2313del, p.Asn771fs (NM_001083602.3); c.2508del, p.Asn836fs (NM_001083603.3); c.2058del, p.Asn686fs (NM_001083604.3, NM_001083605.3, NM_001083606.3 and 1 more transcripts); c.2355del, p.Asn785fs (NM_001354918.2); short protein forms N785fs, N836fs, N686fs, N771fs, N837fs.
Identifiers: ClinVar variation 1354184 (VCV001354184.6), dbSNP rs2117949826, ClinGen allele CA2573144858.